The following is an entry in ClinVar:

ClinVar aggregate classification (germline): Likely benign. Review status: criteria provided, multiple submitters, no conflicts (2 of 4 stars). 4 submissions from 4 submitters: Likely benign (4). Last evaluated 2024-03-25.

Allele frequency attached by ClinVar (database versions not stated): gnomAD 0.00001; gnomAD exomes 0.00003; TOPMed 0.00003; ESP Exome Variant Server 0.00008.
gnomAD v4.1: 26 of 1,613,052 alleles (0.0016%); highest among the groups gnomAD compares: Middle Eastern, 0.049%; no homozygotes.

Submissions (4):

Labcorp Genetics (formerly Invitae), Labcorp
Classification: Likely benign. Last evaluated: 2024-03-25. Review status: criteria provided, single submitter. Criteria: Invitae Variant Classification Sherloc (09022015). Collection method: clinical testing. Allele origin: germline.

CeGaT Center for Human Genetics Tuebingen
Classification: Likely benign. Last evaluated: 2023-07-01. Review status: criteria provided, single submitter. Criteria: CeGaT Center For Human Genetics Tuebingen Variant Classification Criteria Version 2. Collection method: clinical testing. Allele origin: germline. Affected: yes. Observed: 1 variant allele.
Comment: MYO15A: BP4

GeneDx
Classification: Likely benign. Last evaluated: 2018-01-09. Review status: criteria provided, single submitter. Criteria: GeneDx Variant Classification (06012015). Collection method: clinical testing. Allele origin: germline. Affected: yes.
Comment: This variant is considered likely benign or benign based on one or more of the following criteria: it is a conservative change, it occurs at a poorly conserved position in the protein, it is predicted to be benign by multiple in silico algorithms, and/or has population frequency not consistent with disease.

Breakthrough Genomics
Classification: Likely benign. Review status: criteria provided, single submitter. Criteria: ACMG Guidelines, 2015. Collection method: not provided. Allele origin: germline. Inheritance: Autosomal recessive inheritance. Affected: yes.

NM_016239.4(MYO15A):c.1026C>T (p.Tyr342=)

Gene: MYO15A (myosin XVA; plus strand). Cytogenetic location: 17p11.2.
Variant type: single nucleotide variant.
Coding change: c.1026C>T on transcript NM_016239.4 (MANE Select); coding-DNA position 1026, C replaced by T.
Protein change: p.Tyr342=; no amino-acid change (tyrosine 342 retained).
Molecular consequence: synonymous variant.
Genome position (GRCh38, 1-based): chr17:18,119,826, C>T. VCF-style: chr17-18119826-C-T. GRCh37 (hg19) VCF-style: chr17-18023140-C-T.
Identifiers: ClinVar variation 514563 (VCV000514563.30), dbSNP rs368278295, ClinGen allele CA8423005.